The following is an entry in ClinVar:

NM_001301071.2(DOK7):c.1617C>T (p.Ile539=)

Gene: DOK7 (docking protein 7; plus strand). Cytogenetic location: 4p16.3.
Variant type: single nucleotide variant.
Coding change: c.1617C>T on transcript NM_001301071.2; coding-DNA position 1617, C replaced by T.
Protein change: p.Ile539=; no amino-acid change (isoleucine 539 retained).
Molecular consequence: synonymous variant.
Genome position (GRCh38, 1-based): chr4:3,500,327, C>T. VCF-style: chr4-3500327-C-T. GRCh37 (hg19) VCF-style: chr4-3502054-C-T.
Other names: c.1185C>T, p.Ile395= (NM_001363811.2).
Identifiers: ClinVar variation 3032789 (VCV003032789.2), dbSNP rs529205573, ClinGen allele CA91473193.

ClinVar aggregate classification (germline): Likely benign (0 of 4 stars; one submission).

Conditions:
DOK7-related disorder. Also called: DOK7-related condition.

Allele frequency attached by ClinVar (database versions not stated): gnomAD exomes 0.00001.
gnomAD v4.1: 6 of 1,535,836 alleles (0.00039%); highest among the groups gnomAD compares: African/African-American, 0.0082%; no homozygotes.

Submission:

PreventionGenetics, part of Exact Sciences
Classification: Likely benign for DOK7-related condition. Last evaluated: 2023-05-08. Review status: no assertion criteria provided. Collection method: clinical testing. Allele origin: germline.
Comment: This variant is classified as likely benign based on ACMG/AMP sequence variant interpretation guidelines (Richards et al. 2015 PMID: 25741868, with internal and published modifications).